The following is an entry in ClinVar:

NM_001379291.1(BRD4):c.3367G>A (p.Glu1123Lys)

Gene: BRD4 (bromodomain containing 4; minus strand). Cytogenetic location: 19p13.12.
Variant type: single nucleotide variant.
Coding change: c.3367G>A on transcript NM_001379291.1 (MANE Select); coding-DNA position 3367, G replaced by A.
Protein change: p.Glu1123Lys; replaces glutamic acid 1123 with lysine.
Molecular consequence: missense variant.
Genome position (GRCh38, 1-based): chr19:15,239,737, C>T on the plus strand (G>A on the coding strand, the complement: BRD4 is on the minus strand). VCF-style: chr19-15239737-C-T. GRCh37 (hg19) VCF-style: chr19-15350548-C-T.
Other names: c.3367G>A, p.Glu1123Lys (NM_058243.3); short protein forms E1123K.
Identifiers: ClinVar variation 2961860 (VCV002961860.5), dbSNP rs772431443, ClinGen allele CA9264701.
Genomic context (GRCh38, chr19:15,239,737, plus strand): 5'-GGGCCTTGATGCTCTCCGGGTGCTTGGGGGGCTCCGGCCGCAGCGAGGGGCTGAAGGGCT[C>T]GCTGCGGATGATGGGTGAGTGGATCTTCTCCTCCTTCACCACCACGAGGGGCTGGGGCTG-3'
Protein context (NP_001366220.1, residues 1113-1133): EKIHSPIIRS[Glu1123Lys]PFSPSLRPEP

ClinVar aggregate classification (germline): Uncertain significance. Review status: criteria provided, multiple submitters, no conflicts (2 of 4 stars). 2 submissions from 2 submitters: Uncertain significance (2). Last evaluated 2025-03-15.

Allele frequency attached by ClinVar (database versions not stated): gnomAD 0.00002; gnomAD exomes below 0.00001; ExAC 0.00001.
gnomAD v4.1: 9 of 1,605,974 alleles (0.00056%); highest among the groups gnomAD compares: Admixed American, 0.0017%; no homozygotes.

Submissions (2):

Dasa
Classification: Uncertain significance. Last evaluated: 2025-03-15. Review status: criteria provided, single submitter. Criteria: DASA Assertion Criteria. Collection method: clinical testing. Allele origin: germline.
Comment: NM_001379291.1(BRD4):c.3367G>A (p.Glu1123Lys) is a missense variant that results in the substitution of glutamic acid with lysine. This variant is rare in population databases. Computational prediction algorithms are consistent with a benign effect. The currently available literature and clinical evidence are not sufficient to establish a definitive association between this variant and the reported condition. Therefore, this variant is classified as a variant of uncertain significance.

Labcorp Genetics (formerly Invitae), Labcorp
Classification: Uncertain significance. Last evaluated: 2023-02-01. Review status: criteria provided, single submitter. Criteria: Invitae Variant Classification Sherloc (09022015). Collection method: clinical testing. Allele origin: germline.
Comment: This sequence change replaces glutamic acid, which is acidic and polar, with lysine, which is basic and polar, at codon 1123 of the BRD4 protein (p.Glu1123Lys). This variant is present in population databases (rs772431443, gnomAD 0.006%). This variant has not been reported in the literature in individuals affected with BRD4-related conditions. Algorithms developed to predict the effect of missense changes on protein structure and function are either unavailable or do not agree on the potential impact of this missense change (SIFT: "Deleterious"; PolyPhen-2: "Benign"; Align-GVGD: "Class C0"). In summary, the available evidence is currently insufficient to determine the role of this variant in disease. Therefore, it has been classified as a Variant of Uncertain Significance.